The following is an entry in ClinVar:

NM_025132.4(WDR19):c.3262-2A>G

Gene: WDR19 (WD repeat domain 19; plus strand). Cytogenetic location: 4p14.
Variant type: single nucleotide variant.
Coding change: c.3262-2A>G on transcript NM_025132.4 (MANE Select); the canonical splice acceptor site of the intron before coding-DNA position 3262, A replaced by G.
Molecular consequence: splice acceptor variant.
Genome position (GRCh38, 1-based): chr4:39,267,993, A>G. VCF-style: chr4-39267993-A-G. GRCh37 (hg19) VCF-style: chr4-39269613-A-G.
Other names: c.2782-2A>G (NM_001317924.2).
Identifiers: ClinVar variation 1068034 (VCV001068034.7), dbSNP rs753291151, ClinGen allele CA2892321.

ClinVar aggregate classification (germline): Likely pathogenic (1 of 4 stars; one submission).

Conditions:
Senior-Loken syndrome 8 (SLSN8). Identifiers: Orphanet 3156, MedGen C4225376, MONDO:0014579, OMIM 616307.
Asphyxiating thoracic dystrophy 5 (SRTD5). Also called: SHORT-RIB THORACIC DYSPLASIA 5 WITH OR WITHOUT POLYDACTYLY; SHORT-RIB THORACIC DYSPLASIA 5 WITHOUT POLYDACTYLY. Identifiers: Orphanet 474, MedGen C3280598, MONDO:0013717, OMIM 614376.

Allele frequency attached by ClinVar (database versions not stated): TOPMed below 0.00001; gnomAD 0.00001; gnomAD exomes 0.00001; ExAC 0.00002.
gnomAD v4.1: 10 of 1,598,240 alleles (0.00063%); highest among the groups gnomAD compares: East Asian, 0.023%; no homozygotes.

Submission:

Labcorp Genetics (formerly Invitae), Labcorp
Classification: Likely pathogenic for Senior-Loken syndrome 8; Asphyxiating thoracic dystrophy 5. Last evaluated: 2024-03-04. Review status: criteria provided, single submitter. Criteria: Invitae Variant Classification Sherloc (09022015). Collection method: clinical testing. Allele origin: germline.
Comment: This sequence change affects an acceptor splice site in intron 29 of the WDR19 gene. It is expected to disrupt RNA splicing. Variants that disrupt the donor or acceptor splice site typically lead to a loss of protein function (PMID: 16199547), and loss-of-function variants in WDR19 are known to be pathogenic (PMID: 22019273, 23559409, 23683095, 26275793, 27241786, 29068549). The frequency data for this variant in the population databases is considered unreliable, as metrics indicate poor data quality at this position in the gnomAD database. Disruption of this splice site has been observed in individual(s) with Senior-Løken syndrome (PMID: 35140360). ClinVar contains an entry for this variant (Variation ID: 1068034). Algorithms developed to predict the effect of sequence changes on RNA splicing suggest that this variant may disrupt the consensus splice site. In summary, the currently available evidence indicates that the variant is pathogenic, but additional data are needed to prove that conclusively. Therefore, this variant has been classified as Likely Pathogenic.

Literature cited by the submitters: PubMed 16199547; PubMed 22019273; PubMed 23559409; PubMed 23683095; PubMed 26275793; PubMed 27241786; PubMed 29068549; PubMed 35140360.